The following is an entry in ClinVar:

NM_001754.5(RUNX1):c.281G>A (p.Ser94Asn)

Gene: RUNX1 (RUNX family transcription factor 1; minus strand). Cytogenetic location: 21q22.12.
Variant type: single nucleotide variant.
Coding change: c.281G>A on transcript NM_001754.5 (MANE Select); coding-DNA position 281, G replaced by A.
Protein change: p.Ser94Asn; replaces serine 94 with asparagine.
Molecular consequence: missense variant.
Genome position (GRCh38, 1-based): chr21:34,886,913, C>T on the plus strand (G>A on the coding strand, the complement: RUNX1 is on the minus strand). VCF-style: chr21-34886913-C-T. GRCh37 (hg19) VCF-style: chr21-36259210-C-T.
Other names: c.200G>A, p.Ser67Asn (NM_001001890.3, NM_001122607.2); short protein forms S94N, S67N.
Identifiers: ClinVar variation 4158170 (VCV004158170.1).

ClinVar aggregate classification (germline): Uncertain significance (1 of 4 stars; one submission).

Conditions:
Inborn genetic diseases. Identifiers: MedGen C0950123, MeSH D030342.

Submission:

Ambry Genetics
Classification: Uncertain significance for Inborn genetic diseases. Last evaluated: 2025-06-24. Review status: criteria provided, single submitter. Criteria: Ambry Variant Classification Scheme 2023. Collection method: clinical testing. Allele origin: germline.
Comment: The p.S94N variant (also known as c.281G>A), located in coding exon 3 of the RUNX1 gene, results from a G to A substitution at nucleotide position 281. The serine at codon 94 is replaced by asparagine, an amino acid with highly similar properties. This amino acid position is highly conserved in available vertebrate species. In addition, this alteration is predicted to be deleterious by in silico analysis. Based on the available evidence, the clinical significance of this variant remains unclear.